The following is an entry in ClinVar:

NM_001039591.3(USP9X):c.3129T>G (p.Leu1043=)

Gene: USP9X (ubiquitin specific peptidase 9 X-linked; plus strand). Cytogenetic location: Xp11.4.
Variant type: single nucleotide variant.
Coding change: c.3129T>G on transcript NM_001039591.3 (MANE Select); coding-DNA position 3129, T replaced by G.
Protein change: p.Leu1043=; no amino-acid change (leucine 1043 retained).
Molecular consequence: synonymous variant.
Genome position (GRCh38, 1-based): chrX:41,171,939, T>G. VCF-style: chrX-41171939-T-G. GRCh37 (hg19) VCF-style: chrX-41031192-T-G.
Other names: c.3129T>G, p.Leu1043= (NM_001039590.3); c.3144T>G, p.Leu1048= (NM_001410748.1, NM_001410749.1).
Identifiers: ClinVar variation 3898329 (VCV003898329.7).

ClinVar aggregate classification (germline): Uncertain significance (1 of 4 stars; one submission).

Submission:

CeGaT Center for Human Genetics Tuebingen
Classification: Uncertain significance. Last evaluated: 2025-04-01. Review status: criteria provided, single submitter. Criteria: CeGaT Center For Human Genetics Tuebingen Variant Classification Criteria Version 2. Collection method: clinical testing. Allele origin: germline. Affected: yes. Observed: 1 variant allele.
Comment: USP9X: PM2:Supporting, BP4